The following is an entry in ClinVar:

NM_004733.4(SLC33A1):c.1223T>G (p.Ile408Arg)

Gene: SLC33A1 (solute carrier family 33 member 1; minus strand). Cytogenetic location: 3q25.31.
Variant type: single nucleotide variant.
Coding change: c.1223T>G on transcript NM_004733.4 (MANE Select); coding-DNA position 1223, T replaced by G.
Protein change: p.Ile408Arg; replaces isoleucine 408 with arginine.
Molecular consequence: missense variant. On other transcripts: intron variant (1).
Genome position (GRCh38, 1-based): chr3:155,833,511, A>C on the plus strand (T>G on the coding strand, the complement: SLC33A1 is on the minus strand). VCF-style: chr3-155833511-A-C. GRCh37 (hg19) VCF-style: chr3-155551300-A-C.
Other names: c.1223T>G, p.Ile408Arg (NM_001190992.2); c.960+346T>G (NM_001363883.1); short protein forms I408R.
Identifiers: ClinVar variation 2507045 (VCV002507045.1), dbSNP rs749286995, ClinGen allele CA355140973.
Genomic context (GRCh38, chr3:155,833,511, plus strand): 5'-AACCACTGCAAGCTTACCTGATGTAAAGCATAACTCAGCAGGACTACGATATAGTAATAT[A>C]TAGGGAATCCCCCTTGATGTTCTACTTTAGGAGTCCACCAAACCAGTAGGGCATATTCTA-3'
Protein context (NP_004724.1, residues 398-418): PKVEHQGGFP[Ile408Arg]YYYIVVLLSY

ClinVar aggregate classification (germline): Uncertain significance (1 of 4 stars; one submission).

Submission:

GeneDx
Classification: Uncertain significance. Last evaluated: 2022-12-28. Review status: criteria provided, single submitter. Criteria: GeneDx Variant Classification Process June 2021. Collection method: clinical testing. Allele origin: germline. Affected: yes.
Comment: Not observed at significant frequency in large population cohorts (gnomAD); In silico analysis supports that this missense variant has a deleterious effect on protein structure/function; Has not been previously published as pathogenic or benign to our knowledge